The following is an entry in ClinVar:

NM_138576.4(BCL11B):c.1807G>C (p.Gly603Arg)

Gene: BCL11B (BCL11 transcription factor B; minus strand). Cytogenetic location: 14q32.2.
Variant type: single nucleotide variant.
Coding change: c.1807G>C on transcript NM_138576.4 (MANE Select); coding-DNA position 1807, G replaced by C.
Protein change: p.Gly603Arg; replaces glycine 603 with arginine.
Molecular consequence: missense variant.
Genome position (GRCh38, 1-based): chr14:99,175,029, C>G on the plus strand (G>C on the coding strand, the complement: BCL11B is on the minus strand). VCF-style: chr14-99175029-C-G. GRCh37 (hg19) VCF-style: chr14-99641366-C-G.
Other names: c.1804G>C, p.Gly602Arg (NM_001282237.2); c.1591G>C, p.Gly531Arg (NM_001282238.2); c.1594G>C, p.Gly532Arg (NM_022898.3); short protein forms G531R, G603R, G532R, G602R.
Identifiers: ClinVar variation 1461581 (VCV001461581.6), dbSNP rs1410176913, ClinGen allele CA390934568.

ClinVar aggregate classification (germline): Uncertain significance (1 of 4 stars; one submission).

Allele frequency attached by ClinVar (database versions not stated): TOPMed below 0.00001; gnomAD 0.00001.
gnomAD v4.1: 6 of 1,596,208 alleles (0.00038%); highest among the groups gnomAD compares: Non-Finnish European, 0.00051%; no homozygotes.

Submission:

Labcorp Genetics (formerly Invitae), Labcorp
Classification: Uncertain significance. Last evaluated: 2021-10-16. Review status: criteria provided, single submitter. Criteria: Invitae Variant Classification Sherloc (09022015). Collection method: clinical testing. Allele origin: germline.
Comment: This sequence change replaces glycine with arginine at codon 603 of the BCL11B protein (p.Gly603Arg). The glycine residue is moderately conserved and there is a moderate physicochemical difference between glycine and arginine. This variant is not present in population databases (ExAC no frequency). This variant has not been reported in the literature in individuals affected with BCL11B-related conditions. Algorithms developed to predict the effect of missense changes on protein structure and function are either unavailable or do not agree on the potential impact of this missense change (SIFT: "Deleterious"; PolyPhen-2: "Possibly Damaging"; Align-GVGD: "Class C0"). In summary, the available evidence is currently insufficient to determine the role of this variant in disease. Therefore, it has been classified as a Variant of Uncertain Significance.